The following is an entry in ClinVar:

NM_001267550.2(TTN):c.16878C>T (p.His5626=)

Genes: TTN (titin; minus strand), LOC126806431 (CDK7 strongly-dependent group 2 enhancer GRCh37_chr2:179595719-179596918; plus strand). Cytogenetic location: 2q31.2.
Variant type: single nucleotide variant.
Coding change: c.16878C>T on transcript NM_001267550.2 (MANE Select); coding-DNA position 16878, C replaced by T.
Protein change: p.His5626=; no amino-acid change (histidine 5626 retained).
Molecular consequence: synonymous variant. On other transcripts: intron variant (3).
Genome position (GRCh38, 1-based): chr2:178,732,091, G>A on the plus strand (C>T on the coding strand, the complement: TTN is on the minus strand). VCF-style: chr2-178732091-G-A. GRCh37 (hg19) VCF-style: chr2-179596818-G-A.
Other names: c.15927C>T, p.His5309= (NM_001256850.1); c.13146C>T, p.His4382= (NM_133378.4); c.13282+5991C>T (NM_003319.4); c.13858+5991C>T (NM_133437.4); c.13657+5991C>T (NM_133432.3).
Identifiers: ClinVar variation 1967943 (VCV001967943.29), dbSNP rs1439370474, ClinGen allele CA430293715.

ClinVar aggregate classification (germline): Likely benign. Review status: criteria provided, multiple submitters, no conflicts (2 of 4 stars). 2 submissions from 2 submitters: Likely benign (2). Last evaluated 2025-12-21.

Conditions:
Dilated cardiomyopathy 1G (CMD1G). Identifiers: Orphanet 154, MedGen C1858763, MONDO:0011400, OMIM 604145.
Autosomal recessive limb-girdle muscular dystrophy type 2J (LGMDR10). Also called: Limb-girdle muscular dystrophy, type 2J; MUSCULAR DYSTROPHY, LIMB-GIRDLE, AUTOSOMAL RECESSIVE 10. Identifiers: Orphanet 140922, MedGen C1837342, MONDO:0012127, OMIM 608807.

Allele frequency attached by ClinVar (database versions not stated): gnomAD exomes below 0.00001; TOPMed below 0.00001.
gnomAD v4.1: 2 of 1,611,544 alleles (0.00012%); highest among the groups gnomAD compares: Middle Eastern, 0.017%; no homozygotes.

Submissions (2):

Labcorp Genetics (formerly Invitae), Labcorp
Classification: Likely benign for Dilated cardiomyopathy 1G; Autosomal recessive limb-girdle muscular dystrophy type 2J. Last evaluated: 2025-12-21. Review status: criteria provided, single submitter. Criteria: Invitae Variant Classification Sherloc (09022015). Collection method: clinical testing. Allele origin: germline.

CeGaT Center for Human Genetics Tuebingen
Classification: Likely benign. Last evaluated: 2023-05-01. Review status: criteria provided, single submitter. Criteria: CeGaT Center For Human Genetics Tuebingen Variant Classification Criteria Version 2. Collection method: clinical testing. Allele origin: germline. Affected: yes. Observed: 1 variant allele.
Comment: TTN: PM2:Supporting, BP4, BP7